The following is an entry in ClinVar:

ClinVar aggregate classification (germline): Pathogenic/Likely pathogenic. Review status: criteria provided, multiple submitters, no conflicts (2 of 4 stars). 2 submissions from 2 submitters: Pathogenic (1); Likely pathogenic (1). Last evaluated 2022-02-24.

Conditions:
AGRN-related disorder. Also called: AGRN-related condition.
Congenital myasthenic syndrome 8. Also called: Myasthenic syndrome, congenital, 8, with pre- and postsynaptic defects; MYASTHENIC SYNDROME, CONGENITAL, DUE TO AGRIN DEFICIENCY. Identifiers: Orphanet 590, MedGen C3808739, MONDO:0014052, OMIM 615120.

Submissions (2):

Labcorp Genetics (formerly Invitae), Labcorp
Classification: Pathogenic for Congenital myasthenic syndrome 8. Last evaluated: 2022-02-24. Review status: criteria provided, single submitter. Criteria: Invitae Variant Classification Sherloc (09022015). Collection method: clinical testing. Allele origin: germline.
Comment: ClinVar contains an entry for this variant (Variation ID: 950399). For these reasons, this variant has been classified as Pathogenic. This variant has not been reported in the literature in individuals affected with AGRN-related conditions. This variant is not present in population databases (gnomAD no frequency). This sequence change creates a premature translational stop signal (p.Arg834*) in the AGRN gene. It is expected to result in an absent or disrupted protein product. Loss-of-function variants in AGRN are known to be pathogenic (PMID: 24951643).

Blueprint Genetics
Classification: Likely pathogenic for AGRN-related disorders. Last evaluated: 2020-08-21. Review status: criteria provided, single submitter. Criteria: ACMG Guidelines, 2015. Collection method: clinical testing. Allele origin: germline. Affected: yes. Observed: 1 variant allele.

Literature cited by the submitters: PubMed 24951643 (cited by Labcorp Genetics (formerly Invitae), Labcorp).

NM_198576.4(AGRN):c.2500C>T (p.Arg834Ter)

Gene: AGRN (agrin; plus strand). Cytogenetic location: 1p36.33.
Variant type: single nucleotide variant.
Coding change: c.2500C>T on transcript NM_198576.4 (MANE Select); coding-DNA position 2500, C replaced by T.
Protein change: p.Arg834Ter; replaces arginine 834 with a stop codon.
Molecular consequence: nonsense.
Genome position (GRCh38, 1-based): chr1:1,045,487, C>T. VCF-style: chr1-1045487-C-T. GRCh37 (hg19) VCF-style: chr1-980867-C-T.
Other names: c.2500C>T, p.Arg834Ter (NM_001305275.2); c.2185C>T, p.Arg729Ter (NM_001364727.2); short protein forms R834*, R729*.
Identifiers: ClinVar variation 950399 (VCV000950399.8), dbSNP rs1645065317, ClinGen allele CA337839754.